The following is an entry in ClinVar:

NM_001349338.3(FOXP1):c.1889+20C>A

Gene: FOXP1 (forkhead box P1; minus strand). Cytogenetic location: 3p13.
Variant type: single nucleotide variant.
Coding change: c.1889+20C>A on transcript NM_001349338.3 (MANE Select); 20 bases into the intron after coding-DNA position 1889, C replaced by A.
Molecular consequence: intron variant.
Genome position (GRCh38, 1-based): chr3:70,965,870, G>T on the plus strand (C>A on the coding strand, the complement: FOXP1 is on the minus strand). VCF-style: chr3-70965870-G-T. GRCh37 (hg19) VCF-style: chr3-71015021-G-T.
Other names: c.1886+20C>A (NM_001244808.3, NM_001349341.3); c.1889+20C>A (NM_001244816.2, NM_001244814.3, NM_032682.6 and 1 more transcripts); c.1661+20C>A (NM_001244812.3); c.1586+20C>A (NM_001349343.3, NM_001349337.2, NM_001370548.1 and 1 more transcripts); c.1589+20C>A (NM_001349342.3, NM_001244815.2, NM_001244813.3); c.1937+20C>A (NM_001244810.2).
Identifiers: ClinVar variation 96228 (VCV000096228.21), dbSNP rs7638391, ClinGen allele CA149375.

ClinVar aggregate classification (germline): Benign. Review status: criteria provided, multiple submitters, no conflicts (2 of 4 stars). 6 submissions from 6 submitters: Benign (6). Last evaluated 2026-02-04.

Conditions:
Intellectual disability-severe speech delay-mild dysmorphism syndrome (IDDLA). Also called: Intellectual developmental disorder with language impairment AND with or without autistic features; FOXP1 Syndrome; Mental retardation with language impairment and autistic features. Identifiers: Orphanet 391372, MedGen C4013764, MONDO:0013352, OMIM 613670.

Allele frequency attached by ClinVar (database versions not stated): gnomAD exomes 0.92527 and 0.94521; ESP Exome Variant Server 0.94126; ExAC 0.94518; gnomAD 0.94569 and 0.94685; TOPMed 0.94834; 1000 Genomes Project 30x 0.97392; 1000 Genomes Project 0.97464.
gnomAD v4.1: 1,495,586 of 1,612,816 alleles (93%); highest among the groups gnomAD compares: East Asian, 100%; 694,101 homozygotes.

Submissions (6):

Labcorp Genetics (formerly Invitae), Labcorp
Classification: Benign. Last evaluated: 2026-02-04. Review status: criteria provided, single submitter. Criteria: Invitae Variant Classification Sherloc (09022015). Collection method: clinical testing. Allele origin: germline.

Blueprint Genetics
Classification: Benign. Last evaluated: 2024-11-26. Review status: criteria provided, single submitter. Criteria: ACMG Guidelines, 2015. Collection method: clinical testing. Allele origin: germline.

Genome-Nilou Lab
Classification: Benign for Intellectual disability-severe speech delay-mild dysmorphism syndrome. Last evaluated: 2021-08-10. Review status: criteria provided, single submitter. Criteria: ACMG Guidelines, 2015. Collection method: clinical testing. Allele origin: germline. Affected: no.

Eurofins Ntd Llc (ga)
Classification: Benign. Last evaluated: 2017-01-20. Review status: criteria provided, single submitter. Criteria: EGL Classification Definitions 2015. Collection method: clinical testing. Allele origin: germline. Observed: 10 variant alleles, 4 heterozygotes, 6 homozygotes.

GeneDx
Classification: Benign. Last evaluated: 2015-07-16. Review status: criteria provided, single submitter. Criteria: GeneDx Variant Classification (06012015). Collection method: clinical testing. Allele origin: germline. Affected: yes.
Comment: This variant is considered likely benign or benign based on one or more of the following criteria: it is a conservative change, it occurs at a poorly conserved position in the protein, it is predicted to be benign by multiple in silico algorithms, and/or has population frequency not consistent with disease.

Breakthrough Genomics
Classification: Benign. Review status: criteria provided, single submitter. Criteria: ACMG Guidelines, 2015. Collection method: not provided. Allele origin: germline. Inheritance: Autosomal dominant inheritance. Affected: yes.